The following is an entry in ClinVar:

ClinVar aggregate classification (germline): Uncertain significance (1 of 4 stars; one submission).

gnomAD v4.1: 23 of 1,581,088 alleles (0.0015%); highest among the groups gnomAD compares: Non-Finnish European, 0.002%; no homozygotes.

Submission:

Labcorp Genetics (formerly Invitae), Labcorp
Classification: Uncertain significance. Last evaluated: 2022-12-07. Review status: criteria provided, single submitter. Criteria: Invitae Variant Classification Sherloc (09022015). Collection method: clinical testing. Allele origin: germline.
Comment: This variant has not been reported in the literature in individuals affected with KIF22-related conditions. In summary, the available evidence is currently insufficient to determine the role of this variant in disease. Therefore, it has been classified as a Variant of Uncertain Significance. Advanced modeling of protein sequence and biophysical properties (such as structural, functional, and spatial information, amino acid conservation, physicochemical variation, residue mobility, and thermodynamic stability) performed at Invitae indicates that this missense variant is not expected to disrupt KIF22 protein function. This variant is not present in population databases (gnomAD no frequency). This sequence change replaces lysine, which is basic and polar, with asparagine, which is neutral and polar, at codon 431 of the KIF22 protein (p.Lys431Asn).

NM_007317.3(KIF22):c.1293G>C (p.Lys431Asn)

Gene: KIF22 (kinesin family member 22; plus strand). Cytogenetic location: 16p11.2.
Variant type: single nucleotide variant.
Coding change: c.1293G>C on transcript NM_007317.3 (MANE Select); coding-DNA position 1293, G replaced by C.
Protein change: p.Lys431Asn; replaces lysine 431 with asparagine.
Molecular consequence: missense variant.
Genome position (GRCh38, 1-based): chr16:29,802,781, G>C. VCF-style: chr16-29802781-G-C. GRCh37 (hg19) VCF-style: chr16-29814102-G-C.
Other names: c.1089G>C, p.Lys363Asn (NM_001256269.2, NM_001256270.1); short protein forms K363N, K431N.
Identifiers: ClinVar variation 2868357 (VCV002868357.3), dbSNP rs1290649344, ClinGen allele CA395459145.